The following is an entry in ClinVar:

NM_015015.3(KDM4B):c.2747T>G (p.Leu916Arg)

Gene: KDM4B (lysine demethylase 4B; plus strand). Cytogenetic location: 19p13.3.
Variant type: single nucleotide variant.
Coding change: c.2747T>G on transcript NM_015015.3 (MANE Select); coding-DNA position 2747, T replaced by G.
Protein change: p.Leu916Arg; replaces leucine 916 with arginine.
Molecular consequence: missense variant.
Genome position (GRCh38, 1-based): chr19:5,144,258, T>G. VCF-style: chr19-5144258-T-G. GRCh37 (hg19) VCF-style: chr19-5144269-T-G.
Other names: c.2849T>G, p.Leu950Arg (NM_001411148.1); short protein forms L916R, L950R.
Identifiers: ClinVar variation 4056539 (VCV004056539.1).
Genomic context (GRCh38, chr19:5,144,258, plus strand): 5'-CCCACCGACACCCGCGCTGACCGCCCCCCACACCCTCCGCACCCTCCCAGGTCCAACTCC[T>G]GAGGGCCGTGTCCCTAGGCCAGGTGGTCATCACCAAGAACCGCAACGGGCTGTACTACCG-3'
Protein context (NP_055830.1, residues 906-926): HKSGGHAVQL[Leu916Arg]RAVSLGQVVI

ClinVar aggregate classification (germline): Uncertain significance (1 of 4 stars; one submission).

Conditions:
Intellectual developmental disorder, autosomal dominant 65. Also called: MENTAL RETARDATION, AUTOSOMAL DOMINANT 65. Identifiers: MedGen C5543371, MONDO:0023657, OMIM 619320.

Submission:

Laboratorio de Genetica e Diagnostico Molecular, Hospital Israelita Albert Einstein
Classification: Uncertain significance for Intellectual developmental disorder, autosomal dominant 65. Last evaluated: 2023-10-11. Review status: criteria provided, single submitter. Criteria: ACMG Guidelines, 2015. Collection method: clinical testing. Allele origin: germline. Affected: yes.
Comment: ACMG classification criteria: PM2 moderate, PP2 supporting, BP4 supporting